The following is an entry in ClinVar:

ClinVar aggregate classification (germline): Likely pathogenic (1 of 4 stars; one submission).

Submission:

Quest Diagnostics Nichols Institute San Juan Capistrano
Classification: Likely pathogenic. Last evaluated: 2019-06-21. Review status: criteria provided, single submitter. Criteria: Quest Diagnostics criteria. Collection method: clinical testing. Allele origin: germline.
Comment: The variant results in a shift of the reading frame, and is therefore predicted to result in the loss of a functional protein. Not found in the total gnomAD dataset, and the data is high quality (0/281228 chr).

NM_000059.4(BRCA2):c.4858_4861del (p.Leu1620fs)

Gene: BRCA2 (BRCA2 DNA repair associated; plus strand). Cytogenetic location: 13q13.1.
Variant type: Deletion.
Coding change: c.4858_4861del on transcript NM_000059.4 (MANE Select); coding-DNA positions 4858 to 4861, 4 bases deleted (TTAT; older notation c.4858_4861delTTAT).
Protein change: p.Leu1620fs; shifts the reading frame from leucine 1620.
Molecular consequence: frameshift variant.
Genome position (GRCh38, 1-based): chr13:32,339,213-32,339,216, TTAT deleted; deleting any 4 consecutive bases within chr13:32,339,211-32,339,216 gives the same sequence; the c. name uses the placement nearest the transcript's 3' end. VCF-style (leftmost placement, unchanged base first): chr13-32339210-AATTT-A. GRCh37 (hg19) VCF-style: chr13-32913347-AATTT-A.
Other names: short protein forms L1620fs.
Identifiers: ClinVar variation 801109 (VCV000801109.2), dbSNP rs1593903595, ClinGen allele CA915948474.